The following is an entry in ClinVar:

NM_003924.4(PHOX2B):c.735_767dup (p.Ala260_Gly261insAlaAlaAlaAlaAlaAlaAlaAlaAlaAlaAla)

Genes: PHOX2B (paired like homeobox 2B; minus strand), LOC110011216 (paired like homeobox 2b polyalanine repeat instability region; plus strand). Cytogenetic location: 4p13.
Variant type: Duplication.
Coding change: c.735_767dup on transcript NM_003924.4 (MANE Select); coding-DNA positions 735 to 767, 33 bases duplicated.
Protein change: p.Ala260_Gly261insAlaAlaAlaAlaAlaAlaAlaAlaAlaAlaAla.
Molecular consequence: inframe insertion. On other transcripts: inframe indel (1).
Genome position (GRCh38, 1-based): chr4:41,745,985-41,746,017, 33 bases duplicated; duplicating any 33 consecutive bases within chr4:41,745,985-41,746,025 gives the same sequence; the c. name uses the placement nearest the transcript's 3' end. GRCh37 (hg19): chr4:41,748,010-41,748,042.
Other names: c.735_767dupGGCGGCCGCGGCAGCGGCGGCGGCGGCAGCGGC (NM_003924.3).
Identifiers: ClinVar variation 1758455 (VCV001758455.3), dbSNP rs757850760, ClinGen allele CA2580070999.

ClinVar aggregate classification (germline): Pathogenic (1 of 4 stars; one submission).

Conditions:
Hereditary cancer-predisposing syndrome. Also called: Neoplastic Syndromes, Hereditary; Tumor predisposition; Hereditary Cancer Syndrome; Hereditary neoplastic syndrome. Identifiers: Orphanet 140162, MedGen C0027672, MeSH D009386, MONDO:0015356.

Submission:

Ambry Genetics
Classification: Pathogenic for Hereditary cancer-predisposing syndrome. Last evaluated: 2024-08-29. Review status: criteria provided, single submitter. Criteria: Ambry Variant Classification Scheme 2023. Collection method: clinical testing. Allele origin: germline.
Comment: The p.Ala241[31] pathogenic mutation, located in coding exon 3 of the PHOX2B gene, results from an expansion of the polyalanine repeat region from 20 to 31 repeats. This expansion mutation is associated with congenital central hypoventilation syndrome (Rossor T et al. Eur. J. Pediatr., 2014 Dec;173(12):1727-30). Based on the supporting evidence, this alteration is interpreted as a disease-causing mutation.

Literature cited by the submitters: PubMed 25319843.